The following is an entry in ClinVar:

ClinVar aggregate classification (germline): Uncertain significance. Review status: criteria provided, multiple submitters, no conflicts (2 of 4 stars). 5 submissions from 5 submitters: Uncertain significance (5). Last evaluated 2026-08-04.

Conditions:
Ectopia lentis 1, isolated, autosomal dominant (ECTOL1). Identifiers: Orphanet 1885, MedGen C3541518, MONDO:0007514, OMIM 129600.
Progeroid and marfanoid aspect-lipodystrophy syndrome. Also called: MARFANOID-PROGEROID SYNDROME; MARFAN-PROGEROID-LIPODYSTROPHY SYNDROME; Marfan lipodystrophy syndrome; MARFANOID-PROGEROID-LIPODYSTROPHY SYNDROME. Identifiers: Orphanet 300382, MedGen C4310796, MONDO:0014831, OMIM 616914.
Marfan syndrome (MFS). Also called: MARFAN SYNDROME, TYPE I; Marfan's syndrome; Marfan syndrome, classic; Marfan syndrome type 1; FBN1-Related Marfan Syndrome. Identifiers: Orphanet 284963, Orphanet 558, MedGen C0024796, MONDO:0007947, OMIM 154700.
MASS syndrome (OCTD). Also called: MASS PHENOTYPE; OVERLAP CONNECTIVE TISSUE DISEASE. Identifiers: MedGen C1858556, MONDO:0011431, OMIM 604308.
Weill-Marchesani syndrome 2, dominant. Also called: FBN1-Related Weill-Marchesani Syndrome; Weill-Marchesani Syndrome, Autosomal Dominant. Identifiers: Orphanet 2084, MedGen C1869115, MONDO:0012013, OMIM 608328.
Stiff skin syndrome (SSKS). Identifiers: Orphanet 2833, MedGen C1861456, MONDO:0008492, OMIM 184900.
Acromicric dysplasia (ACMICD). Also called: Acromicric skeletal dysplasia. Identifiers: Orphanet 969, MedGen C0265287, MONDO:0007055, OMIM 102370.
Geleophysic dysplasia 2 (GPHYSD2). Identifiers: Orphanet 2623, MedGen C3280054, MONDO:0013612, OMIM 614185.
Familial thoracic aortic aneurysm and aortic dissection (TAAD). Also called: Thoracic aortic aneurysms and dissections. Identifiers: Orphanet 91387, MedGen C4707243, MONDO:0019625.

Allele frequency attached by ClinVar (database versions not stated): gnomAD exomes below 0.00001; TOPMed below 0.00001.
gnomAD v4.1: 2 of 1,614,004 alleles (0.00012%); highest among the groups gnomAD compares: South Asian, 0.0011%; no homozygotes.

Submissions (5):

Ambry Genetics
Classification: Uncertain significance for Familial thoracic aortic aneurysm and aortic dissection. Last evaluated: 2026-08-04. Review status: criteria provided, single submitter. Criteria: Ambry Variant Classification Scheme 2023. Collection method: clinical testing. Allele origin: germline.
Comment: The p.N736D variant (also known as c.2206A>G), located in coding exon 18 of the FBN1 gene, results from an A to G substitution at nucleotide position 2206. The asparagine at codon 736 is replaced by aspartic acid, an amino acid with highly similar properties. This amino acid position is highly conserved in available vertebrate species. In addition, the in silico prediction for this alteration is inconclusive. Based on the available evidence, the clinical significance of this variant remains unclear.

All of Us Research Program, National Institutes of Health
Classification: Uncertain significance for Marfan syndrome. Last evaluated: 2023-08-15. Review status: criteria provided, single submitter. Criteria: ACMG Guidelines, 2015. Collection method: clinical testing. Allele origin: germline. Inheritance: Autosomal dominant inheritance. Observed: 2 variant alleles, 2 heterozygotes.
Comment: This missense variant replaces asparagine with aspartic acid at codon 736 of the FBN1 protein. Computational prediction tool suggests that this variant may have deleterious impact on protein structure and function (internally defined REVEL score threshold >=0.7, PMID: 27666373). Splice site prediction tools suggest that this variant may not impact RNA splicing. To our knowledge, functional studies have not been performed for this variant. This variant has not been reported in individuals affected with cardiovascular disorders in the literature. This variant has been identified in 1/251384 chromosomes in the general population by the Genome Aggregation Database (gnomAD). The available evidence is insufficient to determine the role of this variant in disease conclusively. Therefore, this variant is classified as a Variant of Uncertain Significance.

This study involves interpretation of variants in research participants for the purpose of population health screening. Participant phenotype was not available at the time of variant classification. Additional details can be found in publication PMID: 35346344, PMCID: PMC8962531

Fulgent Genetics
Classification: Uncertain significance for Acromicric dysplasia; Ectopia lentis 1, isolated, autosomal dominant; Marfan syndrome; Stiff skin syndrome; MASS syndrome; Weill-Marchesani syndrome 2, dominant; Geleophysic dysplasia 2; Progeroid and marfanoid aspect-lipodystrophy syndrome. Last evaluated: 2021-11-02. Review status: criteria provided, single submitter. Criteria: ACMG Guidelines, 2015. Collection method: clinical testing. Allele origin: unknown.

Color Diagnostics, LLC DBA Color Health
Classification: Uncertain significance for Familial thoracic aortic aneurysm and aortic dissection. Last evaluated: 2019-09-16. Review status: criteria provided, single submitter. Criteria: ACMG Guidelines, 2015. Collection method: clinical testing. Allele origin: germline.
Comment: This missense variant replaces asparagine with aspartic acid at codon 736 of the FBN1 protein. Computational prediction tool suggests that this variant may have deleterious impact on protein structure and function (internally defined REVEL score threshold ≥0.7, PMID: 27666373). Splice site prediction tools suggest that this variant may not impact RNA splicing. To our knowledge, functional studies have not been performed for this variant. This variant has not been reported in individuals affected with cardiovascular disorders in the literature. This variant has been identified in 1/251384 chromosomes in the general population by the Genome Aggregation Database (gnomAD). The available evidence is insufficient to determine the role of this variant in disease conclusively. Therefore, this variant is classified as a Variant of Uncertain Significance.

Labcorp Genetics (formerly Invitae), Labcorp
Classification: Uncertain significance for Marfan syndrome; Familial thoracic aortic aneurysm and aortic dissection. Last evaluated: 2016-04-29. Review status: criteria provided, single submitter. Criteria: Invitae Variant Classification Sherloc (09022015). Collection method: clinical testing. Allele origin: germline.
Comment: This sequence change replaces asparagine with aspartic acid at codon 736 of the FBN1 protein (p.Asn736Asp). The asparagine residue is highly conserved and there is a small physicochemical difference between asparagine and aspartic acid. This variant is not present in population databases (ExAC no frequency) and has not been reported in the literature in individuals with a FBN1-related disease. Algorithms developed to predict the effect of missense changes on protein structure and function do not agree on the potential impact of this missense change (SIFT: "Deleterious"; PolyPhen-2: "Probably Damaging"; Align-GVGD: "Class C15"). However, algorithms developed to predict the effect of changes on mRNA splicing suggest that this variant may alter mRNA splicing, but this prediction has not been confirmed by published transcriptional studies. In summary, this is a novel missense change with uncertain impact on protein function. It has been classified as a Variant of Uncertain Significance.

NM_000138.5(FBN1):c.2206A>G (p.Asn736Asp)

Gene: FBN1 (fibrillin 1; minus strand). Cytogenetic location: 15q21.1.
Variant type: single nucleotide variant.
Coding change: c.2206A>G on transcript NM_000138.5 (MANE Select); coding-DNA position 2206, A replaced by G.
Protein change: p.Asn736Asp; replaces asparagine 736 with aspartic acid.
Molecular consequence: missense variant.
Genome position (GRCh38, 1-based): chr15:48,497,353, T>C on the plus strand (A>G on the coding strand, the complement: FBN1 is on the minus strand). VCF-style: chr15-48497353-T-C. GRCh37 (hg19) VCF-style: chr15-48789550-T-C.
Other names: short protein forms N736D.
Identifiers: ClinVar variation 237085 (VCV000237085.9), dbSNP rs878853678, ClinGen allele CA10583250.